The following is an entry in ClinVar:

ClinVar aggregate classification (germline): Benign. Review status: criteria provided, multiple submitters, no conflicts (2 of 4 stars). 2 submissions from 2 submitters: Benign (2). Last evaluated 2018-06-19.

Allele frequency attached by ClinVar (database versions not stated): gnomAD exomes 0.11085; gnomAD 0.14756 and 0.15016; TOPMed 0.15656; 1000 Genomes Project 30x 0.16708; 1000 Genomes Project 0.17093.
gnomAD v4.1: 146,485 of 1,270,152 alleles (12%); highest among the groups gnomAD compares: African/African-American, 25%; 10,080 homozygotes.

Submissions (2):

GeneDx
Classification: Benign. Last evaluated: 2018-06-19. Review status: criteria provided, single submitter. Criteria: GeneDx Variant Classification (06012015). Collection method: clinical testing. Allele origin: germline. Affected: yes.
Comment: This variant is considered likely benign or benign based on one or more of the following criteria: it is a conservative change, it occurs at a poorly conserved position in the protein, it is predicted to be benign by multiple in silico algorithms, and/or has population frequency not consistent with disease.

Breakthrough Genomics
Classification: Benign. Review status: criteria provided, single submitter. Criteria: ACMG Guidelines, 2015. Collection method: not provided. Allele origin: germline. Inheritance: Autosomal dominant inheritance. Affected: yes.

NM_001276345.2(TNNT2):c.720-86T>C

Gene: TNNT2 (troponin T2, cardiac type; minus strand). Cytogenetic location: 1q32.1.
Variant type: single nucleotide variant.
Coding change: c.720-86T>C on transcript NM_001276345.2 (MANE Select); 86 bases into the intron before coding-DNA position 720, T replaced by C.
Molecular consequence: intron variant.
Genome position (GRCh38, 1-based): chr1:201,361,455, A>G on the plus strand (T>C on the coding strand, the complement: TNNT2 is on the minus strand). VCF-style: chr1-201361455-A-G. GRCh37 (hg19) VCF-style: chr1-201330583-A-G.
Other names: c.672-86T>C (NM_001001432.3); c.681-86T>C (NM_001001431.3); c.690-86T>C (NM_001001430.3, NM_001276347.2); c.591-86T>C (NM_001276346.2); c.711-86T>C (NM_000364.4).
Identifiers: ClinVar variation 672958 (VCV000672958.2), dbSNP rs2275861, ClinGen allele CA35418251.